The following is an entry in ClinVar:

ClinVar aggregate classification (germline): Benign (1 of 4 stars; one submission).

Submission:

Unidad de Genómica Garrahan, Hospital de Pediatría Garrahan
Classification: Benign. Last evaluated: 2023-11-12. Review status: criteria provided, single submitter. Criteria: ACMG Guidelines, 2015. Collection method: clinical testing. Allele origin: germline. Affected: no. Observed: 20 variant alleles.
Comment: This variant is classified as Benign based on local population frequency. This variant was detected in 21% of patients studied by a panel of primary immunodeficiencies. Number of patients: 20. Only high quality variants are reported.

NM_006254.4(PRKCD):c.315+37_315+38insTTGT

Gene: PRKCD (protein kinase C delta; plus strand). Cytogenetic location: 3p21.1.
Variant type: Insertion.
Coding change: c.315+37_315+38insTTGT on transcript NM_006254.4 (MANE Select); bases 37 to 38 of the intron after coding-DNA position 315, TTGT inserted.
Molecular consequence: intron variant.
Genome position: GRCh38 VCF-style: chr3-53179810-G-GTGTT. GRCh37 (hg19) VCF-style: chr3-53213826-G-GTGTT.
Other names: c.315+37_315+38insTTGT (NM_001354680.2, NM_001354679.2, NM_212539.2 and 1 more transcripts); c.372+37_372+38insTTGT (NM_001354676.2); c.363+37_363+38insTTGT (NM_001354678.2).
Identifiers: ClinVar variation 2628302 (VCV002628302.2), dbSNP rs1553666948, ClinGen allele CA2695197926.